The following is an entry in ClinVar:

NM_005159.5(ACTC1):c.558C>G (p.Asp186Glu)

Genes: ACTC1 (actin alpha cardiac muscle 1; minus strand), GJD2-DT (GJD2 divergent transcript; plus strand). Cytogenetic location: 15q14.
Variant type: single nucleotide variant.
Coding change: c.558C>G on transcript NM_005159.5 (MANE Select); coding-DNA position 558, C replaced by G.
Protein change: p.Asp186Glu; replaces aspartic acid 186 with glutamic acid.
Molecular consequence: missense variant.
Genome position (GRCh38, 1-based): chr15:34,792,466, G>C on the plus strand (C>G on the coding strand, the complement: ACTC1 is on the minus strand). VCF-style: chr15-34792466-G-C. GRCh37 (hg19) VCF-style: chr15-35084667-G-C.
Other names: c.558C>G, p.Asp186Glu (NM_001406482.1, NM_001406483.1); c.423C>G, p.Asp141Glu (NM_001406484.1); c.117C>G, p.Asp39Glu (NM_001406485.1); short protein forms D141E, D186E, D39E.
Identifiers: ClinVar variation 4531497 (VCV004531497.1).

ClinVar aggregate classification (germline): Uncertain significance (1 of 4 stars; one submission).

Conditions:
Dilated cardiomyopathy 1R (CMD1R). Identifiers: Orphanet 154, Orphanet 54260, MedGen C3150681, MONDO:0013261, OMIM 613424.

Submission:

Victorian Clinical Genetics Services, Murdoch Childrens Research Institute
Classification: Uncertain significance for Dilated cardiomyopathy 1R. Last evaluated: 2025-10-07. Review status: criteria provided, single submitter. Criteria: ACMG Guidelines, 2015. Collection method: clinical testing. Allele origin: germline. Affected: yes.
Comment: This variant is classified as VUS-3B. Evidence in support of pathogenic classification: Variant is absent from gnomAD (v2, v3 and v4); Missense variant in a region that is highly intolerant to missense variation (high constraint region in DECIPHER); Missense variant predicted to be damaging by in silico tool(s) or highly conserved with a major amino acid change. Additional information: Variant is predicted to result in a missense amino acid change from Asp to Glu; This variant is heterozygous; This gene is associated with autosomal dominant disease; This variant has no previous evidence of pathogenicity; No published evidence of segregation with disease has been identified for this variant; No published functional evidence has been identified for this variant; No comparable missense variants have previous evidence for pathogenicity; The mechanism of disease for this gene is not clearly established. Missense variants have been described with both loss and gain of function properties (PMID: 29719515). However, the exact mechanism remains unclear; Inheritance information for this variant is not currently available in this individual.

Literature cited by the submitters: PubMed 29719515.